The following is an entry in ClinVar:

ClinVar aggregate classification (germline): Uncertain significance (1 of 4 stars; one submission).

gnomAD v4.1: 16 of 1,612,482 alleles (0.00099%); highest among the groups gnomAD compares: Non-Finnish European, 0.0014%; no homozygotes.

Submission:

Labcorp Genetics (formerly Invitae), Labcorp
Classification: Uncertain significance. Last evaluated: 2025-08-19. Review status: criteria provided, single submitter. Criteria: Invitae Variant Classification Sherloc (09022015). Collection method: clinical testing. Allele origin: germline.
Comment: This sequence change replaces threonine, which is neutral and polar, with serine, which is neutral and polar, at codon 179 of the SERPING1 protein (p.Thr179Ser). This variant is present in population databases (no rsID available, gnomAD 0.0009%). This variant has not been reported in the literature in individuals affected with SERPING1-related conditions. An algorithm developed to predict the effect of missense changes on protein structure and function outputs the following: PolyPhen-2: "Benign". The serine amino acid residue is found in multiple mammalian species, which suggests that this missense change does not adversely affect protein function. In summary, the available evidence is currently insufficient to determine the role of this variant in disease. Therefore, it has been classified as a Variant of Uncertain Significance.

NM_000062.3(SERPING1):c.536C>G (p.Thr179Ser)

Gene: SERPING1 (serpin family G member 1; plus strand). Cytogenetic location: 11q12.1.
Variant type: single nucleotide variant.
Coding change: c.536C>G on transcript NM_000062.3 (MANE Select); coding-DNA position 536, C replaced by G.
Protein change: p.Thr179Ser; replaces threonine 179 with serine.
Molecular consequence: missense variant.
Genome position (GRCh38, 1-based): chr11:57,600,363, C>G. VCF-style: chr11-57600363-C-G. GRCh37 (hg19) VCF-style: chr11-57367836-C-G.
Other names: c.536C>G, p.Thr179Ser (NM_001032295.2); short protein forms T179S.
Identifiers: ClinVar variation 4777255 (VCV004777255.1).